The following is an entry in ClinVar:

ClinVar aggregate classification (germline): Uncertain significance (1 of 4 stars; one submission).

Conditions:
Hereditary cancer-predisposing syndrome. Also called: Neoplastic Syndromes, Hereditary; Tumor predisposition; Hereditary Cancer Syndrome; Hereditary neoplastic syndrome. Identifiers: Orphanet 140162, MedGen C0027672, MeSH D009386, MONDO:0015356.

Submission:

Ambry Genetics
Classification: Uncertain significance for Hereditary cancer-predisposing syndrome. Last evaluated: 2025-11-15. Review status: criteria provided, single submitter. Criteria: Ambry Variant Classification Scheme 2023. Collection method: clinical testing. Allele origin: germline.
Comment: The p.D45A variant (also known as c.134A>C), located in coding exon 2 of the NF2 gene, results from an A to C substitution at nucleotide position 134. The aspartic acid at codon 45 is replaced by alanine, an amino acid with dissimilar properties. This amino acid position is conserved. In addition, this alteration is predicted to be deleterious by in silico analysis. Based on the available evidence, the clinical significance of this variant remains unclear.

NM_000268.4(NF2):c.134A>C (p.Asp45Ala)

Gene: NF2 (NF2, moesin-ezrin-radixin like (MERLIN) tumor suppressor; plus strand). Cytogenetic location: 22q12.2.
Variant type: single nucleotide variant.
Coding change: c.134A>C on transcript NM_000268.4 (MANE Select); coding-DNA position 134, A replaced by C.
Protein change: p.Asp45Ala; replaces aspartic acid 45 with alanine.
Molecular consequence: missense variant. On other transcripts: 5 prime UTR variant (2), intron variant (6).
Genome position (GRCh38, 1-based): chr22:29,636,770, A>C. VCF-style: chr22-29636770-A-C. GRCh37 (hg19) VCF-style: chr22-30032759-A-C.
Other names: c.20A>C, p.Asp7Ala (NM_001407053.1, NM_001407056.1); c.134A>C, p.Asp45Ala (NM_001407054.1, NM_001407057.1, NM_001407058.1 and 9 more transcripts); c.-507A>C (NM_001407065.1); c.-123A>C (NM_001407067.1); c.115-2320A>C (NM_181828.3, NM_001407055.1); c.115-5432A>C (NM_001407063.1, NM_181830.3, NM_001407064.1 and 1 more transcripts); short protein forms D7A, D45A.
Identifiers: ClinVar variation 4661551 (VCV004661551.1).
Genomic context (GRCh38, chr22:29,636,770, plus strand): 5'-TTTTGCTCACAGTGTCCTTCCCCATTGGTTTGTTATTGCAGATGAAGTGGAAAGGGAAGG[A>C]CCTCTTTGATTTGGTGTGCCGGACTCTGGGGCTCCGAGAAACCTGGTTCTTTGGACTGCA-3'
Protein context (NP_000259.1, residues 35-55): FNCEMKWKGK[Asp45Ala]LFDLVCRTLG